The following is an entry in ClinVar:

ClinVar aggregate classification (germline): Uncertain significance (1 of 4 stars; one submission).

gnomAD v4.1: 1 of 1,612,866 alleles (0.000062%); highest among the groups gnomAD compares: Non-Finnish European, 0.000085%; no homozygotes.

Submission:

Women's Health and Genetics/Laboratory Corporation of America, LabCorp
Classification: Uncertain significance. Last evaluated: 2024-01-18. Review status: criteria provided, single submitter. Criteria: LabCorp Variant Classification Summary - May 2015. Collection method: clinical testing. Allele origin: germline.
Comment: Variant summary: COL4A1 c.3556+16T>A alters a non-conserved nucleotide located at a position not widely known to affect splicing. Several computational tools predict a significant impact on normal splicing: Four predict the variant no significant impact on splicing. Three predict the variant creates a 3' acceptor site. However, these predictions have yet to be confirmed by functional studies. The variant was absent in 251370 control chromosomes. The available data on variant occurrences in the general population are insufficient to allow any conclusion about variant significance. To our knowledge, no occurrence of c.3556+16T>A in individuals affected with Porencephaly 1 and no experimental evidence demonstrating its impact on protein function have been reported. No submitters have cited clinical-significance assessments for this variant to ClinVar. Based on the evidence outlined above, the variant was classified as uncertain significance.

NM_001845.6(COL4A1):c.3556+16T>A

Gene: COL4A1 (collagen type IV alpha 1 chain; minus strand). Cytogenetic location: 13q34.
Variant type: single nucleotide variant.
Coding change: c.3556+16T>A on transcript NM_001845.6 (MANE Select); 16 bases into the intron after coding-DNA position 3556, T replaced by A.
Molecular consequence: intron variant.
Genome position (GRCh38, 1-based): chr13:110,172,704, A>T on the plus strand (T>A on the coding strand, the complement: COL4A1 is on the minus strand). VCF-style: chr13-110172704-A-T. GRCh37 (hg19) VCF-style: chr13-110825051-A-T.
Identifiers: ClinVar variation 3063972 (VCV003063972.1), dbSNP rs774521208, ClinGen allele CA2623673126.